The following is an entry in ClinVar:

ClinVar aggregate classification (germline): Benign/Likely benign. Review status: criteria provided, multiple submitters, no conflicts (2 of 4 stars). 14 submissions from 14 submitters: Benign (8); Likely benign (4). 2 of the submissions do not count toward it. Last evaluated 2026-07-01.

Conditions:
Inborn genetic diseases. Identifiers: MedGen C0950123, MeSH D030342.
FRONTOTEMPORAL LOBAR DEGENERATION WITH TDP43 INCLUSIONS, TARDBP-RELATED. Also called: Frontotemporal lobar degeneration, TARDBP-related. Identifiers: MedGen C3150169, OMIM 612069.
Amyotrophic lateral sclerosis type 10 (ALS10). Also called: AMYOTROPHIC LATERAL SCLEROSIS 10 WITHOUT FRONTOTEMPORAL DEMENTIA AND WITH TDP43 INCLUSIONS; AMYOTROPHIC LATERAL SCLEROSIS 10 WITH OR WITHOUT FRONTOTEMPORAL DEMENTIA AND WITH TDP43 INCLUSIONS; TARDBP-Related Amyotrophic Lateral Sclerosis-Frontotemporal Dementia; Amyotrophic lateral sclerosis 10, with or without FTD; AMYOTROPHIC LATERAL SCLEROSIS 10 WITH OR WITHOUT FRONTOTEMPORAL DEMENTIA. Identifiers: Orphanet 275872, Orphanet 803, MedGen C2677565, MONDO:0012790, OMIM 612069.

Allele frequency attached by ClinVar (database versions not stated): gnomAD 0.00292 and 0.00341; TOPMed 0.00352; ESP Exome Variant Server 0.00438; 1000 Genomes Project 30x 0.00484; 1000 Genomes Project 0.00519; ExAC 0.00641.
gnomAD v4.1: 6,377 of 1,614,210 alleles (0.4%); highest among the groups gnomAD compares: South Asian, 1.9%; 115 homozygotes.

Submissions (14):

CeGaT Center for Human Genetics Tuebingen
Classification: Benign. Last evaluated: 2026-07-01. Review status: criteria provided, single submitter. Criteria: CeGaT Center For Human Genetics Tuebingen Variant Classification Criteria Version 2. Collection method: clinical testing. Allele origin: germline. Affected: yes. Observed: 13 variant alleles.
Comment: TARDBP: BP4, BP7, BS1, BS2

Labcorp Genetics (formerly Invitae), Labcorp
Classification: Benign for Amyotrophic lateral sclerosis type 10; FRONTOTEMPORAL LOBAR DEGENERATION WITH TDP43 INCLUSIONS, TARDBP-RELATED. Last evaluated: 2026-01-27. Review status: criteria provided, single submitter. Criteria: Invitae Variant Classification Sherloc (09022015). Collection method: clinical testing. Allele origin: germline.

ARUP Laboratories, Molecular Genetics and Genomics, ARUP Laboratories
Classification: Benign. Last evaluated: 2023-09-22. Review status: criteria provided, single submitter. Criteria: ARUP Molecular Germline Variant Investigation Process 2024. Collection method: clinical testing. Allele origin: germline.

Ambry Genetics
Classification: Likely benign for Inborn genetic diseases. Last evaluated: 2022-05-19. Review status: criteria provided, single submitter. Criteria: Ambry Variant Classification Scheme 2023. Collection method: clinical testing. Allele origin: germline.

Genome-Nilou Lab
Classification: Benign for Amyotrophic lateral sclerosis type 10. Last evaluated: 2021-07-15. Review status: criteria provided, single submitter. Criteria: ACMG Guidelines, 2015. Collection method: clinical testing. Allele origin: germline. Affected: no.

GeneDx
Classification: Benign. Last evaluated: 2020-01-09. Review status: criteria provided, single submitter. Criteria: GeneDx Variant Classification Process June 2021. Collection method: clinical testing. Allele origin: germline. Affected: yes.
Comment: This variant is associated with the following publications: (PMID: 18545701, 25588603)

Mayo Clinic Laboratories, Mayo Clinic
Classification: Benign. Last evaluated: 2018-01-22. Review status: criteria provided, single submitter. Criteria: ACMG Guidelines, 2015. Collection method: clinical testing. Allele origin: germline. Observed: 28 variant alleles.

Athena Diagnostics
Classification: Benign. Last evaluated: 2017-07-25. Review status: criteria provided, single submitter. Criteria: Athena Diagnostics Criteria. Collection method: clinical testing. Allele origin: germline.

Clinical Genetics DNA and cytogenetics Diagnostics Lab, Erasmus MC, Erasmus Medical Center
Classification: Likely benign for Amyotrophic lateral sclerosis type 10. Last evaluated: 2017-06-28. Review status: criteria provided, single submitter. Criteria: ACGS Guidelines, 2013. Collection method: clinical testing. Allele origin: germline. Affected: yes. Study: VKGL Data-share Consensus.

Illumina Laboratory Services, Illumina
Classification: Likely benign for Amyotrophic lateral sclerosis type 10. Last evaluated: 2017-04-27. Review status: criteria provided, single submitter. Criteria: ICSL Variant Classification Criteria 13 December 2019. Collection method: clinical testing. Allele origin: germline.
Comment: This variant was observed as part of a predisposition screen in an ostensibly healthy population. A literature search was performed for the gene, cDNA change, and amino acid change (where applicable). Publications were found based on this search. The evidence from the literature, in combination with allele frequency data from public databases where available, was sufficient to determine this variant is unlikely to cause disease. Therefore, this variant is classified as likely benign.

Genome Diagnostics Laboratory, University Medical Center Utrecht
Classification: Benign for Amyotrophic lateral sclerosis type 10. Last evaluated: 2014-10-10. Review status: criteria provided, single submitter. Criteria: ACGS Guidelines, 2013. Collection method: clinical testing. Allele origin: germline. Affected: yes. Study: VKGL Data-share Consensus.

Breakthrough Genomics
Classification: Likely benign. Review status: criteria provided, single submitter. Criteria: ACMG Guidelines, 2015. Collection method: not provided. Allele origin: germline. Inheritance: Autosomal dominant inheritance. Affected: yes.

Genome Diagnostics Laboratory, Amsterdam University Medical Center
Classification: Likely benign for Amyotrophic lateral sclerosis type 10. Last evaluated: 2015-12-29. Review status: no assertion criteria provided. Criteria: ACGS Guidelines, 2013. Collection method: clinical testing. Allele origin: germline. Affected: yes. Study: VKGL Data-share Consensus. Not counted in ClinVar's aggregate classification.

Clinical Genetics, Academic Medical Center
Classification: Likely benign. Review status: no assertion criteria provided. Collection method: clinical testing. Allele origin: germline. Affected: yes. Study: VKGL Data-share Consensus. Not counted in ClinVar's aggregate classification.

Literature cited by the submitters: PubMed 25588603 (cited by Athena Diagnostics); PubMed 19786775 (cited by Athena Diagnostics); PubMed 20645878 (cited by Athena Diagnostics); PubMed 19204172 (cited by Athena Diagnostics); PubMed 18779421 (cited by Athena Diagnostics and Illumina Laboratory Services, Illumina); PubMed 18068872 (cited by Athena Diagnostics); PubMed 18288693 (cited by Athena Diagnostics); PubMed 18372902 (cited by Athena Diagnostics); PubMed 18545701 (cited by Athena Diagnostics); PubMed 18802454 (cited by Athena Diagnostics and Illumina Laboratory Services, Illumina); PubMed 18931000 (cited by Athena Diagnostics); PubMed 19224587 (cited by Athena Diagnostics); PubMed 19236453 (cited by Athena Diagnostics); PubMed 19695877 (cited by Athena Diagnostics); PubMed 19760257 (cited by Athena Diagnostics); PubMed 19864663 (cited by Athena Diagnostics); PubMed 19808791 (cited by Illumina Laboratory Services, Illumina).

NM_007375.4(TARDBP):c.198T>C (p.Ala66=)

Gene: TARDBP (TAR DNA binding protein; plus strand). Cytogenetic location: 1p36.22.
Variant type: single nucleotide variant.
Coding change: c.198T>C on transcript NM_007375.4 (MANE Select); coding-DNA position 198, T replaced by C.
Protein change: p.Ala66=; no amino-acid change (alanine 66 retained).
Molecular consequence: synonymous variant.
Genome position (GRCh38, 1-based): chr1:11,013,925, T>C. VCF-style: chr1-11013925-T-C. GRCh37 (hg19) VCF-style: chr1-11073982-T-C.
Other names: p.Ala66=.
Identifiers: ClinVar variation 291734 (VCV000291734.94), dbSNP rs61730366, ClinGen allele CA586315.
Genomic context (GRCh38, chr1:11,013,925, plus strand): 5'-AGTGTCTCAGTGTATGAGAGGTGTCCGGCTGGTAGAAGGAATTCTGCATGCCCCAGATGC[T>C]GGCTGGGGAAATCTGGTGTATGTTGTCAACTATCCAAAAGGTTTGTTACCATTTGGTTTT-3'
Protein context (NP_031401.1, residues 56-76): LVEGILHAPD[Ala66=]GWGNLVYVVN